The following is an entry in ClinVar:

ClinVar aggregate classification (germline): Pathogenic (1 of 4 stars; one submission).

Submission:

GeneDx
Classification: Pathogenic. Last evaluated: 2017-02-22. Review status: criteria provided, single submitter. Criteria: GeneDx Variant Classification (06012015). Collection method: clinical testing. Allele origin: germline. Affected: yes.
Comment: The Y291X variant in the TCF4 gene has not been reported previously as a pathogenic variant nor as a benign variant, to our knowledge. This variant is predicted to cause loss of normal protein function either through protein truncation or nonsense-mediated mRNA decay. The Y291X variant is not observed in large population cohorts (Lek et al., 2016; 1000 Genomes Consortium et al., 2015; Exome Variant Server). We interpret Y291X as a pathogenic variant.

NM_001083962.2(TCF4):c.873C>G (p.Tyr291Ter)

Genes: TCF4 (transcription factor 4; minus strand), LOC126862757 (CDK7 strongly-dependent group 2 enhancer GRCh37_chr18:52936433-52937632; plus strand). Cytogenetic location: 18q21.2.
Variant type: single nucleotide variant.
Coding change: c.873C>G on transcript NM_001083962.2 (MANE Select); coding-DNA position 873, C replaced by G.
Protein change: p.Tyr291Ter; replaces tyrosine 291 with a stop codon.
Molecular consequence: nonsense.
Genome position (GRCh38, 1-based): chr18:55,269,880, G>C on the plus strand (C>G on the coding strand, the complement: TCF4 is on the minus strand). VCF-style: chr18-55269880-G-C. GRCh37 (hg19) VCF-style: chr18-52937111-G-C.
Other names: c.1179C>G, p.Tyr393Ter (NM_001243226.3); c.801C>G, p.Tyr267Ter (NM_001243227.2, NM_001306207.1, NM_001348217.1 and 9 more transcripts); c.891C>G, p.Tyr297Ter (NM_001243228.2); c.867C>G, p.Tyr289Ter (NM_001243230.2); c.747C>G, p.Tyr249Ter (NM_001243231.2, NM_001348211.2); c.660C>G, p.Tyr220Ter (NM_001243232.1, NM_001306208.1); c.483C>G, p.Tyr161Ter (NM_001243233.2, NM_001330605.3, NM_001348212.2 and 1 more transcripts); c.393C>G, p.Tyr131Ter (NM_001243234.2, NM_001243235.2, NM_001243236.2 and 2 more transcripts); and 4 more; short protein forms Y291*, Y220*, Y131*, Y249*, Y267*, Y393*, Y75*, Y161*.
Identifiers: ClinVar variation 423631 (VCV000423631.2), dbSNP rs1064796538, ClinGen allele CA16620715.
Genomic context (GRCh38, chr18:55,269,880, plus strand): 5'-CTGTGACTCACCCATTATACTGTCTGTCCCGTTGGCAGGAGGCGTACAGGAAGAGGTGCT[G>C]TAATGGTTTGTACCACTACGATGGAAAGTGGACATCGGAGGAAGACTGGAATTGATGTCT-3'